The following is an entry in ClinVar:

NM_182746.3(MCM4):c.2497A>G (p.Ile833Val)

Gene: MCM4 (minichromosome maintenance complex component 4; plus strand). Cytogenetic location: 8q11.21.
Variant type: single nucleotide variant.
Coding change: c.2497A>G on transcript NM_182746.3 (MANE Select); coding-DNA position 2497, A replaced by G.
Protein change: p.Ile833Val; replaces isoleucine 833 with valine.
Molecular consequence: missense variant.
Genome position (GRCh38, 1-based): chr8:47,975,846, A>G. VCF-style: chr8-47975846-A-G. GRCh37 (hg19) VCF-style: chr8-48888406-A-G.
Other names: c.2497A>G, p.Ile833Val (NM_005914.4); short protein forms I833V.
Identifiers: ClinVar variation 1934291 (VCV001934291.5), dbSNP rs746394943, ClinGen allele CA371156439.

ClinVar aggregate classification (germline): Uncertain significance (1 of 4 stars; one submission).

gnomAD v4.1: 2 of 1,556,254 alleles (0.00013%); highest among the groups gnomAD compares: Non-Finnish European, 0.00017%; no homozygotes.

Submission:

Labcorp Genetics (formerly Invitae), Labcorp
Classification: Uncertain significance. Last evaluated: 2022-08-14. Review status: criteria provided, single submitter. Criteria: Invitae Variant Classification Sherloc (09022015). Collection method: clinical testing. Allele origin: germline.
Comment: In summary, the available evidence is currently insufficient to determine the role of this variant in disease. Therefore, it has been classified as a Variant of Uncertain Significance. Algorithms developed to predict the effect of missense changes on protein structure and function output the following: SIFT: "Tolerated"; PolyPhen-2: "Benign"; Align-GVGD: "Class C0". The valine amino acid residue is found in multiple mammalian species, which suggests that this missense change does not adversely affect protein function. This variant has not been reported in the literature in individuals affected with MCM4-related conditions. This variant is not present in population databases (gnomAD no frequency). This sequence change replaces isoleucine, which is neutral and non-polar, with valine, which is neutral and non-polar, at codon 833 of the MCM4 protein (p.Ile833Val).